The following is an entry in ClinVar:

NM_006904.7(PRKDC):c.1752A>T (p.Glu584Asp)

Gene: PRKDC (protein kinase, DNA-activated, catalytic subunit; minus strand). Cytogenetic location: 8q11.21.
Variant type: single nucleotide variant.
Coding change: c.1752A>T on transcript NM_006904.7 (MANE Select); coding-DNA position 1752, A replaced by T.
Protein change: p.Glu584Asp; replaces glutamic acid 584 with aspartic acid.
Molecular consequence: missense variant.
Genome position (GRCh38, 1-based): chr8:47,933,044, T>A on the plus strand (A>T on the coding strand, the complement: PRKDC is on the minus strand). VCF-style: chr8-47933044-T-A. GRCh37 (hg19) VCF-style: chr8-48845604-T-A.
Other names: c.1752A>T, p.Glu584Asp (NM_001081640.2); short protein forms E584D.
Identifiers: ClinVar variation 3425391 (VCV003425391.1).
Genomic context (GRCh38, chr8:47,933,044, plus strand): 5'-AATGATGAAAAATTACTACTGATAAAAATTTCTAACCTCTTGTTCCCCAACAGTCTGTAT[T>A]TCAAGTGTAAGATCCAATTTCTCAACAATCTTCAAAACGGATTTTACAAATTCATCATAA-3'
Protein context (NP_008835.5, residues 574-594): KIVEKLDLTL[Glu584Asp]IQTVGEQENG

ClinVar aggregate classification (germline): Uncertain significance (1 of 4 stars; one submission).

Submission:

Ambry Genetics
Classification: Uncertain significance. Last evaluated: 2024-11-06. Review status: criteria provided, single submitter. Criteria: Ambry Variant Classification Scheme 2023. Collection method: clinical testing. Allele origin: germline.
Comment: The p.E584D variant (also known as c.1752A>T), located in coding exon 16 of the PRKDC gene, results from an A to T substitution at nucleotide position 1752. The glutamic acid at codon 584 is replaced by aspartic acid, an amino acid with highly similar properties. This amino acid position is conserved. In addition, this alteration is predicted to be tolerated by in silico analysis. Based on the available evidence, the clinical significance of this variant remains unclear.